The following is an entry in ClinVar:

NM_001370259.2(MEN1):c.794G>A (p.Trp265Ter)

Gene: MEN1 (menin 1; minus strand). Cytogenetic location: 11q13.1.
Variant type: single nucleotide variant.
Coding change: c.794G>A on transcript NM_001370259.2 (MANE Select); coding-DNA position 794, G replaced by A.
Protein change: p.Trp265Ter; replaces tryptophan 265 with a stop codon.
Molecular consequence: nonsense.
Genome position (GRCh38, 1-based): chr11:64,807,209, C>T on the plus strand (G>A on the coding strand, the complement: MEN1 is on the minus strand). VCF-style: chr11-64807209-C-T. GRCh37 (hg19) VCF-style: chr11-64574681-C-T.
Other names: c.809G>A, p.Trp270Ter (NM_000244.4, NM_130800.3, NM_130801.3 and 3 more transcripts); c.794G>A, p.Trp265Ter (NM_001370251.2, NM_001370260.2, NM_001370261.2 and 1 more transcripts); c.689G>A, p.Trp230Ter (NM_001370262.2, NM_001370263.2); short protein forms W270*, W230*, W265*.
Identifiers: ClinVar variation 1452903 (VCV001452903.8), dbSNP rs2136134076, ClinGen allele CA381183971.
Genomic context (GRCh38, chr11:64,807,209, plus strand): 5'-GGCGCAGCCTGGCCACTTCCCTCTACTGACCTTTCCAGATGTCCCAGGTCATAGAGCAGC[C>T]AGAGCAGCTTCTAGGAGCCGAAGGAGAGAGTTATGAGCCACGGAACAGGGAGGAGAACGG-3'

ClinVar aggregate classification (germline): Pathogenic. Review status: criteria provided, multiple submitters, no conflicts (2 of 4 stars). 2 submissions from 2 submitters: Pathogenic (2). Last evaluated 2021-09-10.

Conditions:
Multiple endocrine neoplasia, type 1 (MEN1). Also called: Endocrine adenomatosis multiple; MEN 1; MEA I; MEN I; WERMER SYNDROME. Identifiers: Orphanet 652, MedGen C0025267, MeSH D018761, MONDO:0007540, OMIM 131100.
Hereditary cancer-predisposing syndrome. Also called: Hereditary Cancer Syndrome; Hereditary neoplastic syndrome; Tumor predisposition; Neoplastic Syndromes, Hereditary. Identifiers: Orphanet 140162, MedGen C0027672, MeSH D009386, MONDO:0015356.

Submissions (2):

Labcorp Genetics (formerly Invitae), Labcorp
Classification: Pathogenic for Multiple endocrine neoplasia, type 1. Last evaluated: 2021-09-10. Review status: criteria provided, single submitter. Criteria: Invitae Variant Classification Sherloc (09022015). Collection method: clinical testing. Allele origin: germline.
Comment: This premature translational stop signal has been observed in individual(s) with hyperparathyroidism and thymus carcinoids and/or multiple endocrine neoplasia, type 1 (PMID: 9215689, 10849016). In at least one individual the variant was observed to be de novo. For these reasons, this variant has been classified as Pathogenic. This variant is not present in population databases (ExAC no frequency). This sequence change creates a premature translational stop signal (p.Trp265*) in the MEN1 gene. It is expected to result in an absent or disrupted protein product. Loss-of-function variants in MEN1 are known to be pathogenic (PMID: 12112656, 17853334).

Ambry Genetics
Classification: Pathogenic for Hereditary cancer-predisposing syndrome. Last evaluated: 2020-10-20. Review status: criteria provided, single submitter. Criteria: Ambry Variant Classification Scheme 2023. Collection method: clinical testing. Allele origin: germline.
Comment: The p.W265* pathogenic mutation (also known as c.794G>A), located in coding exon 4 of the MEN1 gene, results from a G to A substitution at nucleotide position 794. This changes the amino acid from a tryptophan to a stop codon within coding exon 4. This alteration has been seen in multiple individuals with a clinical diagnosis of multiple endocrine neoplasia type 1 (MEN1) (Agarwal SK et al. Hum Mol Genet, 1997 Jul;6:1169-75; Roijers JF et al. Eur J Clin Invest, 2000 Jun;30:487-92; Wautot V et al. Hum Mutat, 2002 Jul;20:35-47). In addition to the clinical data presented in the literature, this alteration is expected to result in loss of function by premature protein truncation or nonsense-mediated mRNA decay. As such, this alteration is interpreted as a disease-causing mutation.

Literature cited by the submitters: PubMed 9215689 (cited by Labcorp Genetics (formerly Invitae), Labcorp and Ambry Genetics); PubMed 10849016 (cited by Labcorp Genetics (formerly Invitae), Labcorp and Ambry Genetics); PubMed 12112656 (cited by Labcorp Genetics (formerly Invitae), Labcorp and Ambry Genetics); PubMed 17853334 (cited by Labcorp Genetics (formerly Invitae), Labcorp).